The following is an entry in ClinVar:

ClinVar aggregate classification (germline): Likely pathogenic. Review status: criteria provided, multiple submitters, no conflicts (2 of 4 stars). 2 submissions from 2 submitters: Likely pathogenic (2). Last evaluated 2025-10-05.

Conditions:
Sifrim-Hitz-Weiss syndrome (SIHIWES). Also called: SIFRIM-HITZ-WEISS MULTIPLE CONGENITAL ANOMALIES-MENTAL RETARDATION SYNDROME; CHD4 Neurodevelopmental Disorder. Identifiers: Orphanet 653712, MedGen C4310688, MONDO:0014946, OMIM 617159.

Submissions (2):

Clinical Biomedical Laboratory, Shriners Hospital For Children - Canada
Classification: Likely pathogenic for Sifrim-Hitz-Weiss syndrome. Last evaluated: 2025-10-05. Review status: criteria provided, single submitter. Criteria: ACMG Guidelines, 2015. Collection method: clinical testing. Allele origin: germline. Affected: yes.
Comment: The variant changes an asparagine residue in CHD4 to an isoleucine residue. The variant is not present in the gnomAD database (v2.1.1). The variant is highly conserved in evolution (phyloP100 7.82). Prediction algorithms indicate that the variant has a damaging effect on the protein (REVEL score: 0.939). CHD4 is associated with autosomal dominant Sifrim-Hitz-Weiss syndrome, which has phenotypic overlap with the proband's phenotype.

New Leaf Center
Classification: Likely pathogenic for Sifrim-Hitz-Weiss syndrome. Last evaluated: 2020-10-27. Review status: criteria provided, single submitter. Criteria: ACMG Guidelines, 2015. Collection method: research. Allele origin: de novo. Inheritance: Autosomal dominant inheritance. Affected: yes. Observed: 1 heterozygote.
Comment: The residue falls within the highly conserved Helicase ATP-binding is itself highly conserved. CHD4 is highly intolerant of missense variation (Z = 6.34). SIFT predicts this amino acid change as deleterious.

NM_001273.5(CHD4):c.2366A>T (p.Asn789Ile)

Gene: CHD4 (chromodomain helicase DNA binding protein 4; minus strand). Cytogenetic location: 12p13.31.
Variant type: single nucleotide variant.
Coding change: c.2366A>T on transcript NM_001273.5 (MANE Select); coding-DNA position 2366, A replaced by T.
Protein change: p.Asn789Ile; replaces asparagine 789 with isoleucine.
Molecular consequence: missense variant.
Genome position (GRCh38, 1-based): chr12:6,593,564, T>A on the plus strand (A>T on the coding strand, the complement: CHD4 is on the minus strand). VCF-style: chr12-6593564-T-A. GRCh37 (hg19) VCF-style: chr12-6702730-T-A.
Other names: c.2345A>T, p.Asn782Ile (NM_001297553.2); c.2327A>T, p.Asn776Ile (NM_001363606.2); short protein forms N776I, N782I, N789I.
Identifiers: ClinVar variation 983501 (VCV000983501.3), dbSNP rs1948436363, ClinGen allele CA383593727.
Genomic context (GRCh38, chr12:6,593,564, plus strand): 5'-TCACCCACATAGGTTACGACATACATGTCTGGAGCCCACATTTCAAACTCCCGCTCCCAG[T>A]TGATGATGGTAGAAAGAGGGGCGCTCACTAGGAAGGGGCCTTTGGAATGACCCTTTGAGA-3'
Protein context (NP_001264.2, residues 779-799): LVSAPLSTII[Asn789Ile]WEREFEMWAP